The following is an entry in ClinVar:

ClinVar aggregate classification (germline): Likely benign (1 of 4 stars; one submission).

Allele frequency attached by ClinVar (database versions not stated): 1000 Genomes Project 0.00140; 1000 Genomes Project 30x 0.00172; gnomAD 0.00319; TOPMed 0.00386; ExAC 0.00455; ESP Exome Variant Server 0.00460.
gnomAD v4.1: 6,554 of 1,550,636 alleles (0.42%); highest among the groups gnomAD compares: Middle Eastern, 1.2%; 22 homozygotes.

Submission:

CeGaT Center for Human Genetics Tuebingen
Classification: Likely benign. Last evaluated: 2023-03-01. Review status: criteria provided, single submitter. Criteria: CeGaT Center For Human Genetics Tuebingen Variant Classification Criteria Version 2. Collection method: clinical testing. Allele origin: germline. Affected: yes. Observed: 1 variant allele.
Comment: PKD1L3: BP4, BS2

NM_181536.2(PKD1L3):c.1442G>C (p.Arg481Thr)

Gene: PKD1L3 (polycystin 1 like 3, transient receptor potential channel interacting; minus strand). Cytogenetic location: 16q22.2.
Variant type: single nucleotide variant.
Coding change: c.1442G>C on transcript NM_181536.2 (MANE Select); coding-DNA position 1442, G replaced by C.
Protein change: p.Arg481Thr; replaces arginine 481 with threonine.
Molecular consequence: missense variant.
Genome position (GRCh38, 1-based): chr16:71,978,340, C>G on the plus strand (G>C on the coding strand, the complement: PKD1L3 is on the minus strand). VCF-style: chr16-71978340-C-G. GRCh37 (hg19) VCF-style: chr16-72012239-C-G.
Other names: short protein forms R481T.
Identifiers: ClinVar variation 2646804 (VCV002646804.24), dbSNP rs78847227, ClinGen allele CA8158228.